The following is an entry in ClinVar:

NM_000123.3(ERCC5):c.-419A>G

Genes: BIVM-ERCC5 (BIVM-ERCC5 readthrough; plus strand), ERCC5 (ERCC excision repair 5, endonuclease; plus strand). Cytogenetic location: 13q33.1.
Variant type: single nucleotide variant.
Coding change: c.-419A>G on transcript NM_000123.3; 419 bases upstream of the start codon, A replaced by G.
Molecular consequence: intron variant (on NM_001204425.2).
Genome position (GRCh38, 1-based): chr13:102,845,848, A>G. VCF-style: chr13-102845848-A-G. GRCh37 (hg19) VCF-style: chr13-103498198-A-G.
Other names: c.1450+6045A>G (NM_001204425.2).
Identifiers: ClinVar variation 310903 (VCV000310903.10), dbSNP rs751402, ClinGen allele CA10642711.

ClinVar aggregate classification (germline): Benign. Review status: criteria provided, multiple submitters, no conflicts (2 of 4 stars). 3 submissions from 3 submitters: Benign (3). Last evaluated 2018-11-11.

Conditions:
Xeroderma pigmentosum, group G (XPG). Also called: XERODERMA PIGMENTOSUM VII; XP, GROUP G; Xeroderma pigmentosum type 7; ERCC5-Related Xeroderma Pigmentosum. Identifiers: MedGen C0268141, MONDO:0010216, OMIM 278780.

Allele frequency attached by ClinVar (database versions not stated): 1000 Genomes Project 0.68890; gnomAD exomes 0.77635; 1000 Genomes Project 30x 0.68926; gnomAD 0.75496 and 0.75753; TOPMed 0.74512.

Submissions (3):

GeneDx
Classification: Benign. Last evaluated: 2018-11-11. Review status: criteria provided, single submitter. Criteria: GeneDx Variant Classification Process June 2021. Collection method: clinical testing. Allele origin: germline. Affected: yes.
Comment: This variant is associated with the following publications: (PMID: 25644244, 22982416, 22981091, 22866149, 26338418)

Illumina Laboratory Services, Illumina
Classification: Benign for Xeroderma pigmentosum, group G. Last evaluated: 2018-01-13. Review status: criteria provided, single submitter. Criteria: ICSL Variant Classification Criteria 13 December 2019. Collection method: clinical testing. Allele origin: germline.
Comment: This variant was observed in the ICSL laboratory as part of a predisposition screen in an ostensibly healthy population. It had not been previously curated by ICSL or reported in the Human Gene Mutation Database (HGMD: prior to June 1st, 2018), and was therefore a candidate for classification through an automated scoring system. Utilizing variant allele frequency, disease prevalence and penetrance estimates, and inheritance mode, an automated score was calculated to assess if this variant is too frequent to cause the disease. Based on the score and internal cut-off values, a variant classified as benign is not then subjected to further curation. The score for this variant resulted in a classification of benign for this disease.

Breakthrough Genomics
Classification: Benign. Review status: criteria provided, single submitter. Criteria: ACMG Guidelines, 2015. Collection method: not provided. Allele origin: germline. Inheritance: Autosomal recessive inheritance. Affected: yes.